The following is an entry in ClinVar:

NM_020708.5(SLC12A5):c.356G>A (p.Arg119Gln)

Gene: SLC12A5 (solute carrier family 12 member 5; plus strand). Cytogenetic location: 20q13.12.
Variant type: single nucleotide variant.
Coding change: c.356G>A on transcript NM_020708.5 (MANE Select); coding-DNA position 356, G replaced by A.
Protein change: p.Arg119Gln; replaces arginine 119 with glutamine.
Molecular consequence: missense variant.
Genome position (GRCh38, 1-based): chr20:46,035,853, G>A. VCF-style: chr20-46035853-G-A. GRCh37 (hg19) VCF-style: chr20-44664492-G-A.
Other names: c.425G>A, p.Arg142Gln (NM_001134771.2); short protein forms R119Q, R142Q.
Identifiers: ClinVar variation 3234472 (VCV003234472.20), dbSNP rs2145482868, ClinGen allele CA409187636.
Genomic context (GRCh38, chr20:46,035,853, plus strand): 5'-CCTTCATGGGCGTGTACCTGCCGTGCCTGCAGAACATCTTTGGCGTCATCCTCTTCCTGC[G>A]GCTCACCTGGGTGGTGGGCATTGCAGGCATCATGGAGTCCTTCTGCATGGTGTTCATCTG-3'
Protein context (NP_065759.1, residues 109-129): QNIFGVILFL[Arg119Gln]LTWVVGIAGI

ClinVar aggregate classification (germline): Uncertain significance (1 of 4 stars; one submission).

Submission:

CeGaT Center for Human Genetics Tuebingen
Classification: Uncertain significance. Last evaluated: 2024-04-01. Review status: criteria provided, single submitter. Criteria: CeGaT Center For Human Genetics Tuebingen Variant Classification Criteria Version 2. Collection method: clinical testing. Allele origin: germline. Affected: yes. Observed: 1 variant allele.
Comment: SLC12A5: PM2, PP3